The following is an entry in ClinVar:

ClinVar aggregate classification (germline): Uncertain significance (1 of 4 stars; one submission).

Conditions:
Perlman syndrome (PRLMNS). Identifiers: Orphanet 2849, MedGen C0796113, MONDO:0009965, OMIM 267000.

Allele frequency attached by ClinVar (database versions not stated): gnomAD exomes 0.00001.
gnomAD v4.1: 6 of 1,614,178 alleles (0.00037%); highest among the groups gnomAD compares: Non-Finnish European, 0.00051%; no homozygotes.

Submission:

Labcorp Genetics (formerly Invitae), Labcorp
Classification: Uncertain significance for Perlman syndrome. Last evaluated: 2023-05-25. Review status: criteria provided, single submitter. Criteria: Invitae Variant Classification Sherloc (09022015). Collection method: clinical testing. Allele origin: germline.
Comment: This variant is not present in population databases (gnomAD no frequency). This sequence change replaces glutamic acid, which is acidic and polar, with lysine, which is basic and polar, at codon 473 of the DIS3L2 protein (p.Glu473Lys). This variant has not been reported in the literature in individuals affected with DIS3L2-related conditions. Advanced modeling of protein sequence and biophysical properties (such as structural, functional, and spatial information, amino acid conservation, physicochemical variation, residue mobility, and thermodynamic stability) performed at Invitae indicates that this missense variant is not expected to disrupt DIS3L2 protein function. In summary, the available evidence is currently insufficient to determine the role of this variant in disease. Therefore, it has been classified as a Variant of Uncertain Significance.

NM_152383.5(DIS3L2):c.1417G>A (p.Glu473Lys)

Gene: DIS3L2 (DIS3 like 3'-5' exoribonuclease 2; plus strand). Cytogenetic location: 2q37.1.
Variant type: single nucleotide variant.
Coding change: c.1417G>A on transcript NM_152383.5 (MANE Select); coding-DNA position 1417, G replaced by A.
Protein change: p.Glu473Lys; replaces glutamic acid 473 with lysine.
Molecular consequence: missense variant. On other transcripts: non-coding transcript variant (2).
Genome position (GRCh38, 1-based): chr2:232,249,338, G>A. VCF-style: chr2-232249338-G-A. GRCh37 (hg19) VCF-style: chr2-233114048-G-A.
Other names: c.1417G>A, p.Glu473Lys (NM_001257281.2); short protein forms E473K.
Identifiers: ClinVar variation 3000373 (VCV003000373.3), dbSNP rs2470049588, ClinGen allele CA351155557.
Genomic context (GRCh38, chr2:232,249,338, plus strand): 5'-TGCAGCCTCAACCCCATGTCCGACAAGCTGACCTTCTCTGTGATCTGGACACTGACTCCA[G>A]AGGGCAAGGTAACAACTTACACGTTTTCTTTCTCCACTTACCTCTTTTCTGTTCCATGAG-3'
Protein context (NP_689596.4, residues 463-483): TFSVIWTLTP[Glu473Lys]GKILDEWFGR